The following is an entry in ClinVar:

NM_001171.6(ABCC6):c.2351A>T (p.Asp784Val)

Gene: ABCC6 (ATP binding cassette subfamily C member 6; minus strand). Cytogenetic location: 16p13.11.
Variant type: single nucleotide variant.
Coding change: c.2351A>T on transcript NM_001171.6 (MANE Select); coding-DNA position 2351, A replaced by T.
Protein change: p.Asp784Val; replaces aspartic acid 784 with valine.
Molecular consequence: missense variant. On other transcripts: non-coding transcript variant (1).
Genome position (GRCh38, 1-based): chr16:16,178,862, T>A on the plus strand (A>T on the coding strand, the complement: ABCC6 is on the minus strand). VCF-style: chr16-16178862-T-A. GRCh37 (hg19) VCF-style: chr16-16272719-T-A.
Other names: c.2009A>T, p.Asp670Val (NM_001351800.1); short protein forms D670V, D784V.
Identifiers: ClinVar variation 3653337 (VCV003653337.2).

ClinVar aggregate classification (germline): Uncertain significance (1 of 4 stars; one submission).

Submission:

Labcorp Genetics (formerly Invitae), Labcorp
Classification: Uncertain significance. Last evaluated: 2024-05-14. Review status: criteria provided, single submitter. Criteria: Invitae Variant Classification Sherloc (09022015). Collection method: clinical testing. Allele origin: germline.
Comment: This sequence change replaces aspartic acid, which is acidic and polar, with valine, which is neutral and non-polar, at codon 784 of the ABCC6 protein (p.Asp784Val). This variant is not present in population databases (gnomAD no frequency). This variant has not been reported in the literature in individuals affected with ABCC6-related conditions. Advanced modeling of protein sequence and biophysical properties (such as structural, functional, and spatial information, amino acid conservation, physicochemical variation, residue mobility, and thermodynamic stability) performed at Invitae indicates that this missense variant is expected to disrupt ABCC6 protein function with a positive predictive value of 95%. In summary, the available evidence is currently insufficient to determine the role of this variant in disease. Therefore, it has been classified as a Variant of Uncertain Significance.